The following is an entry in ClinVar:

ClinVar aggregate classification (germline): Benign/Likely benign. Review status: criteria provided, multiple submitters, no conflicts (2 of 4 stars). 5 submissions from 5 submitters: Benign (2); Likely benign (3). Last evaluated 2026-02-02.

Conditions:
Colorectal cancer. Also called: Colorectal cancer, somatic; Malignant Colorectal Neoplasm. Identifiers: MedGen C0346629, MONDO:0005575, OMIM 114500.
Lung cancer. Also called: Lung cancer, somatic; Malignant tumor of lung. Identifiers: MedGen C0242379, MONDO:0008903, OMIM 211980.
Noonan syndrome 7 (NS7). Also called: BRAF-Related Noonan Syndrome. Identifiers: Orphanet 648, MedGen C3150970, MONDO:0013379, OMIM 613706.
LEOPARD syndrome 3 (LPRD3). Identifiers: Orphanet 500, MedGen C3150971, MONDO:0013380, OMIM 613707.
Cardiofaciocutaneous syndrome 1 (CFC1). Also called: BRAF-Related Cardiofaciocutaneous Syndrome. Identifiers: Orphanet 1340, MedGen CN029449, MONDO:0007265, OMIM 115150. Disease mechanism: gain of function.
Melanoma, cutaneous malignant, susceptibility to, 1 (CMM1). Also called: MELANOMA, MALIGNANT; B-K MOLE SYNDROME; DYSPLASTIC NEVUS SYNDROME, HEREDITARY; FAMILIAL ATYPICAL MOLE-MALIGNANT MELANOMA SYNDROME. Identifiers: Orphanet 618, MedGen C1835047, MONDO:0007963, OMIM 155600.
Noonan syndrome 1 (NS1). Also called: PTPN11-Related Noonan Syndrome; TURNER PHENOTYPE WITH NORMAL KARYOTYPE; FEMALE PSEUDO-TURNER SYNDROME. Identifiers: Orphanet 648, MedGen C4551602, MONDO:0008104, OMIM 163950. Disease mechanism: gain of function.
RASopathy. Also called: rasopathies; Noonan spectrum disorder. Identifiers: Orphanet 536391, MedGen C5555857, MONDO:0021060.

Allele frequency attached by ClinVar (database versions not stated): TOPMed 0.00014; ESP Exome Variant Server 0.00015; 1000 Genomes Project 30x 0.00016; ExAC 0.00016; gnomAD exomes 0.00017; 1000 Genomes Project 0.00020.
gnomAD v4.1: 237 of 1,534,038 alleles (0.015%); highest among the groups gnomAD compares: Middle Eastern, 0.13%; no homozygotes.

Submissions (5):

Labcorp Genetics (formerly Invitae), Labcorp
Classification: Likely benign for RASopathy. Last evaluated: 2026-02-02. Review status: criteria provided, single submitter. Criteria: Invitae Variant Classification Sherloc (09022015). Collection method: clinical testing. Allele origin: germline.

Blueprint Genetics
Classification: Likely benign. Last evaluated: 2024-09-16. Review status: criteria provided, single submitter. Criteria: ACMG Guidelines, 2015. Collection method: clinical testing. Allele origin: germline.

Women's Health and Genetics/Laboratory Corporation of America, LabCorp
Classification: Benign. Last evaluated: 2022-06-26. Review status: criteria provided, single submitter. Criteria: LabCorp Variant Classification Summary - May 2015. Collection method: clinical testing. Allele origin: germline.

Fulgent Genetics
Classification: Likely benign for Colorectal cancer; Cardiofaciocutaneous syndrome 1; Melanoma, cutaneous malignant, susceptibility to, 1; Noonan syndrome 1; Lung cancer; Noonan syndrome 7; LEOPARD syndrome 3. Last evaluated: 2021-07-23. Review status: criteria provided, single submitter. Criteria: ACMG Guidelines, 2015. Collection method: clinical testing. Allele origin: unknown.

GeneDx
Classification: Benign. Last evaluated: 2014-10-03. Review status: criteria provided, single submitter. Criteria: GeneDx Variant Classification (06012015). Collection method: clinical testing. Allele origin: germline. Affected: yes.
Comment: This variant is considered likely benign or benign based on one or more of the following criteria: it is a conservative change, it occurs at a poorly conserved position in the protein, it is predicted to be benign by multiple in silico algorithms, and/or has population frequency not consistent with disease.

NM_004333.6(BRAF):c.240+18A>G

Gene: BRAF (B-Raf proto-oncogene, serine/threonine kinase; minus strand). Cytogenetic location: 7q34.
Variant type: single nucleotide variant.
Coding change: c.240+18A>G on transcript NM_004333.6 (MANE Select); 18 bases into the intron after coding-DNA position 240, A replaced by G.
Molecular consequence: intron variant.
Genome position (GRCh38, 1-based): chr7:140,850,093, T>C on the plus strand (A>G on the coding strand, the complement: BRAF is on the minus strand). VCF-style: chr7-140850093-T-C. GRCh37 (hg19) VCF-style: chr7-140549893-T-C.
Other names: c.240+18A>G (NM_001378474.1, NM_001378475.1, NM_001378471.1 and 6 more transcripts); c.139-15221A>G (NM_001378470.1); c.84+18A>G (NM_001378472.1, NM_001378473.1).
Identifiers: ClinVar variation 180783 (VCV000180783.11), dbSNP rs368584855, ClinGen allele CA295903.
Genomic context (GRCh38, chr7:140,850,093, plus strand): 5'-AGATTATCAGTACAAATGTTTTTATAAGTTCATTTTTTTTCTTTTCAAAATTACTAGATA[T>C]GATACTCAAAAGCTTACCTCCAGATATATTGATGGTGGATTATGCTCCCCACCAAATTTG-3'